The following is an entry in ClinVar:

NM_201384.3(PLEC):c.2210A>G (p.Gln737Arg)

Gene: PLEC (plectin; minus strand). Cytogenetic location: 8q24.3.
Variant type: single nucleotide variant.
Coding change: c.2210A>G on transcript NM_201384.3 (MANE Select); coding-DNA position 2210, A replaced by G.
Protein change: p.Gln737Arg; replaces glutamine 737 with arginine.
Molecular consequence: missense variant.
Genome position (GRCh38, 1-based): chr8:143,931,628, T>C on the plus strand (A>G on the coding strand, the complement: PLEC is on the minus strand). VCF-style: chr8-143931628-T-C. GRCh37 (hg19) VCF-style: chr8-145005796-T-C.
Other names: c.2291A>G, p.Gln764Arg (NM_000445.5); c.2168A>G, p.Gln723Arg (NM_201378.4); c.2144A>G, p.Gln715Arg (NM_201379.3); c.2621A>G, p.Gln874Arg (NM_201380.4); c.2114A>G, p.Gln705Arg (NM_201381.3); c.2210A>G, p.Gln737Arg (NM_201382.4); c.2222A>G, p.Gln741Arg (NM_201383.3); short protein forms Q737R, Q741R, Q764R, Q874R, Q705R, Q715R, Q723R.
Identifiers: ClinVar variation 471552 (VCV000471552.7), dbSNP rs1554715549, ClinGen allele CA372576496.

ClinVar aggregate classification (germline): Uncertain significance (1 of 4 stars; one submission).

Conditions:
Epidermolysis bullosa simplex with nail dystrophy (EBS5D). Identifiers: MedGen C4225309, MONDO:0014661, OMIM 616487.
Epidermolysis bullosa simplex, Ogna type (EBS5A). Also called: Pidermolysis bullosa simplex 5A, Ogna type; EPIDERMOLYSIS BULLOSA SIMPLEX 5A, OGNA TYPE. Identifiers: Orphanet 79401, MedGen C0432317, MONDO:0007555, OMIM 131950.
Autosomal recessive limb-girdle muscular dystrophy type 2Q (LGMDR17). Also called: MUSCULAR DYSTROPHY, LIMB-GIRDLE, AUTOSOMAL RECESSIVE 17. Identifiers: Orphanet 254361, MedGen C3150989, MONDO:0013390, OMIM 613723.
Epidermolysis bullosa simplex 5C, with pyloric atresia (EBS5C). Also called: PLEC-Related Epidermolysis Bullosa with Pyloric Atresia; Epidermolysis bullosa simplex with pyloric atresia; PLEC1-Related Epidermolysis Bullosa with Pyloric Atresia. Identifiers: Orphanet 158684, MedGen C2677349, MONDO:0012807, OMIM 612138.
Epidermolysis bullosa simplex 5B, with muscular dystrophy (EBS5B). Also called: EPIDERMOLYSIS BULLOSA SIMPLEX AND LIMB-GIRDLE MUSCULAR DYSTROPHY; Epidermolysis bullosa simplex with muscular dystrophy. Identifiers: Orphanet 257, MedGen C2931072, MONDO:0009181, OMIM 226670.

Allele frequency attached by ClinVar (database versions not stated): gnomAD exomes below 0.00001.
gnomAD v4.1: 2 of 1,601,256 alleles (0.00012%); highest among the groups gnomAD compares: Admixed American, 0.0034%; no homozygotes.

Submission:

Labcorp Genetics (formerly Invitae), Labcorp
Classification: Uncertain significance for Autosomal recessive limb-girdle muscular dystrophy type 2Q; Epidermolysis bullosa simplex, Ogna type; Epidermolysis bullosa simplex with nail dystrophy; Epidermolysis bullosa simplex 5C, with pyloric atresia; Epidermolysis bullosa simplex 5B, with muscular dystrophy. Last evaluated: 2026-01-19. Review status: criteria provided, single submitter. Criteria: Invitae Variant Classification Sherloc (09022015). Collection method: clinical testing. Allele origin: germline.
Comment: This sequence change replaces glutamine, which is neutral and polar, with arginine, which is basic and polar, at codon 764 of the PLEC protein (p.Gln764Arg). This variant is not present in population databases (gnomAD no frequency). This variant has not been reported in the literature in individuals affected with PLEC-related conditions. ClinVar contains an entry for this variant (Variation ID: 471552). Invitae Evidence Modeling of protein sequence and biophysical properties (such as structural, functional, and spatial information, amino acid conservation, physicochemical variation, residue mobility, and thermodynamic stability) indicates that this missense variant is not expected to disrupt PLEC protein function with a negative predictive value of 80%. In summary, the available evidence is currently insufficient to determine the role of this variant in disease. Therefore, it has been classified as a Variant of Uncertain Significance.